The following is an entry in ClinVar:

ClinVar aggregate classification (germline): Uncertain significance (1 of 4 stars; one submission).

Allele frequency attached by ClinVar (database versions not stated): gnomAD exomes 0.00005 and 0.00008; ExAC 0.00008; TOPMed 0.00028; ESP Exome Variant Server 0.00031; gnomAD 0.00031 and 0.00040; 1000 Genomes Project 0.00040; 1000 Genomes Project 30x 0.00047.

Submission:

Labcorp Genetics (formerly Invitae), Labcorp
Classification: Uncertain significance. Last evaluated: 2025-12-20. Review status: criteria provided, single submitter. Criteria: Invitae Variant Classification Sherloc (09022015). Collection method: clinical testing. Allele origin: germline.
Comment: This sequence change replaces proline, which is neutral and non-polar, with leucine, which is neutral and non-polar, at codon 1195 of the ERCC6L2 protein (p.Pro1195Leu). This variant is present in population databases (rs144663865, gnomAD 0.09%). This variant has not been reported in the literature in individuals affected with ERCC6L2-related conditions. ClinVar contains an entry for this variant (Variation ID: 1008924). Experimental studies and prediction algorithms are not available or were not evaluated, and the functional significance of this variant is currently unknown. In summary, the available evidence is currently insufficient to determine the role of this variant in disease. Therefore, it has been classified as a Variant of Uncertain Significance.

NM_020207.7(ERCC6L2):c.3551C>T (p.Pro1184Leu)

Gene: ERCC6L2 (ERCC excision repair 6 like 2; plus strand). Cytogenetic location: 9q22.32.
Variant type: single nucleotide variant.
Coding change: c.3551C>T on transcript NM_020207.7 (MANE Select); coding-DNA position 3551, C replaced by T.
Protein change: p.Pro1184Leu; replaces proline 1184 with leucine.
Molecular consequence: missense variant. On other transcripts: non-coding transcript variant (1).
Genome position (GRCh38, 1-based): chr9:96,004,578, C>T. VCF-style: chr9-96004578-C-T. GRCh37 (hg19) VCF-style: chr9-98766860-C-T.
Other names: c.3551C>T, p.Pro1184Leu (NM_001375291.1, NM_001375292.1); short protein forms P1184L.
Identifiers: ClinVar variation 1008924 (VCV001008924.7), dbSNP rs144663865, ClinGen allele CA5139948.